The following is an entry in ClinVar:

NM_003737.4(DCHS1):c.9328G>C (p.Glu3110Gln)

Gene: DCHS1 (dachsous cadherin-related 1; minus strand). Cytogenetic location: 11p15.4.
Variant type: single nucleotide variant.
Coding change: c.9328G>C on transcript NM_003737.4 (MANE Select); coding-DNA position 9328, G replaced by C.
Protein change: p.Glu3110Gln; replaces glutamic acid 3110 with glutamine.
Molecular consequence: missense variant.
Genome position (GRCh38, 1-based): chr11:6,622,348, C>G on the plus strand (G>C on the coding strand, the complement: DCHS1 is on the minus strand). VCF-style: chr11-6622348-C-G. GRCh37 (hg19) VCF-style: chr11-6643579-C-G.
Other names: c.9328G>C (NM_003737.2); short protein forms E3110Q.
Identifiers: ClinVar variation 1947989 (VCV001947989.6), dbSNP rs766288089, ClinGen allele CA379478965.

ClinVar aggregate classification (germline): Uncertain significance. Review status: criteria provided, multiple submitters, no conflicts (2 of 4 stars). 2 submissions from 2 submitters: Uncertain significance (2). Last evaluated 2025-01-29.

Conditions:
Inborn genetic diseases. Identifiers: MedGen C0950123, MeSH D030342.

Allele frequency attached by ClinVar (database versions not stated): TOPMed below 0.00001.

Submissions (2):

Ambry Genetics
Classification: Uncertain significance for Inborn genetic diseases. Last evaluated: 2025-01-29. Review status: criteria provided, single submitter. Criteria: Ambry Variant Classification Scheme 2023. Collection method: clinical testing. Allele origin: germline.

Labcorp Genetics (formerly Invitae), Labcorp
Classification: Uncertain significance. Last evaluated: 2022-03-10. Review status: criteria provided, single submitter. Criteria: Invitae Variant Classification Sherloc (09022015). Collection method: clinical testing. Allele origin: germline.
Comment: This variant is not present in population databases (gnomAD no frequency). This sequence change replaces glutamic acid, which is acidic and polar, with glutamine, which is neutral and polar, at codon 3110 of the DCHS1 protein (p.Glu3110Gln). In summary, the available evidence is currently insufficient to determine the role of this variant in disease. Therefore, it has been classified as a Variant of Uncertain Significance. Advanced modeling of protein sequence and biophysical properties (such as structural, functional, and spatial information, amino acid conservation, physicochemical variation, residue mobility, and thermodynamic stability) performed at Invitae indicates that this missense variant is not expected to disrupt DCHS1 protein function. This variant has not been reported in the literature in individuals affected with DCHS1-related conditions.